The following is an entry in ClinVar:

ClinVar aggregate classification (germline): Conflicting classifications of pathogenicity. Review status: criteria provided, conflicting classifications (1 of 4 stars). 3 submissions from 3 submitters: Uncertain significance (1); Likely benign (2). Last evaluated 2025-12-29.

Conditions:
Hereditary cancer-predisposing syndrome. Also called: Hereditary Cancer Syndrome; Hereditary neoplastic syndrome; Neoplastic Syndromes, Hereditary; Tumor predisposition. Identifiers: Orphanet 140162, MedGen C0027672, MeSH D009386, MONDO:0015356.

Submissions (3):

Center for Genomic Medicine, Rigshospitalet, Copenhagen University Hospital
Classification: Likely benign. Last evaluated: 2025-12-29. Review status: criteria provided, single submitter. Criteria: ACMG Guidelines, 2015. Collection method: clinical testing. Allele origin: germline.

Ambry Genetics
Classification: Likely benign for Hereditary cancer-predisposing syndrome. Last evaluated: 2024-05-24. Review status: criteria provided, single submitter. Criteria: Ambry Variant Classification Scheme 2023. Collection method: clinical testing. Allele origin: germline.

Sema4
Classification: Uncertain significance for Hereditary cancer-predisposing syndrome. Last evaluated: 2021-10-06. Review status: criteria provided, single submitter. Criteria: Sema4 Curation Guidelines. Collection method: curation. Allele origin: germline.
Comment: The MSH6 c.3557-8_3557-4delTTTTT variant has not been reported in the literature to our knowledge. It was not observed in the large and broad cohorts of the Genome Aggregation Database (PMID: 32461654). The variant has not been reported in ClinVar. This variant is not located in the highly conserved region of the splicing consensus sequence. In silico tools suggest that the variant does not have an impact on splicing, though these predictions have not been confirmed by functional studies. The evidence is insufficient to meet ACMG/AMP criteria for classifying the variant as benign or pathogenic. Thus, the clinical significance of this variant is currently uncertain.

NM_000179.3(MSH6):c.3557-8_3557-4del

Gene: MSH6 (mutS homolog 6; plus strand). Cytogenetic location: 2p16.3.
Variant type: Deletion.
Coding change: c.3557-8_3557-4del on transcript NM_000179.3 (MANE Select); 8 bases into the intron before coding-DNA position 3557 through 4 bases into the intron before coding-DNA position 3557, 5 bases deleted (TTTTT; older notation c.3557-8_3557-4delTTTTT).
Molecular consequence: intron variant.
Genome position (GRCh38, 1-based): chr2:47,805,610-47,805,614, TTTTT deleted; deleting any 5 consecutive bases within chr2:47,805,602-47,805,614 gives the same sequence; the c. name uses the placement nearest the transcript's 3' end. VCF-style (leftmost placement, unchanged base first): chr2-47805601-ATTTTT-A. GRCh37 (hg19) VCF-style: chr2-48032740-ATTTTT-A.
Other names: c.3557-8_3557-4delTTTTT (NM_000179.3, NM_000179.2); c.2651-8_2651-4del (NM_001281493.2, NM_001281494.2); c.3167-8_3167-4del (NM_001281492.2).
Identifiers: ClinVar variation 1692259 (VCV001692259.3), dbSNP rs267608102, ClinGen allele CA769464358.